The following is an entry in ClinVar:

NM_022765.4(MICAL1):c.1331C>T (p.Ser444Leu)

Gene: MICAL1 (microtubule associated monooxygenase, calponin and LIM domain containing 1; minus strand). Cytogenetic location: 6q21.
Variant type: single nucleotide variant.
Coding change: c.1331C>T on transcript NM_022765.4 (MANE Select); coding-DNA position 1331, C replaced by T.
Protein change: p.Ser444Leu; replaces serine 444 with leucine.
Molecular consequence: missense variant.
Genome position (GRCh38, 1-based): chr6:109,449,760, G>A on the plus strand (C>T on the coding strand, the complement: MICAL1 is on the minus strand). VCF-style: chr6-109449760-G-A. GRCh37 (hg19) VCF-style: chr6-109770963-G-A.
Other names: c.1073C>T, p.Ser358Leu (NM_001159291.2); c.1388C>T, p.Ser463Leu (NM_001286613.2); short protein forms S358L, S463L, S444L.
Identifiers: ClinVar variation 2848313 (VCV002848313.3), dbSNP rs2482796890, ClinGen allele CA365230352.

ClinVar aggregate classification (germline): Uncertain significance (1 of 4 stars; one submission).

Allele frequency attached by ClinVar (database versions not stated): gnomAD exomes below 0.00001.
gnomAD v4.1: 2 of 1,609,146 alleles (0.00012%); highest among the groups gnomAD compares: African/African-American, 0.0027%; no homozygotes.

Submission:

Labcorp Genetics (formerly Invitae), Labcorp
Classification: Uncertain significance. Last evaluated: 2023-02-13. Review status: criteria provided, single submitter. Criteria: Invitae Variant Classification Sherloc (09022015). Collection method: clinical testing. Allele origin: germline.
Comment: In summary, the available evidence is currently insufficient to determine the role of this variant in disease. Therefore, it has been classified as a Variant of Uncertain Significance. Algorithms developed to predict the effect of sequence changes on RNA splicing suggest that this variant may create or strengthen a splice site. Algorithms developed to predict the effect of missense changes on protein structure and function are either unavailable or do not agree on the potential impact of this missense change (SIFT: "Deleterious"; PolyPhen-2: "Probably Damaging"; Align-GVGD: "Class C0"). This variant has not been reported in the literature in individuals affected with MICAL1-related conditions. This variant is not present in population databases (gnomAD no frequency). This sequence change replaces serine, which is neutral and polar, with leucine, which is neutral and non-polar, at codon 463 of the MICAL1 protein (p.Ser463Leu).